The following is an entry in ClinVar:

ClinVar aggregate classification (germline): Uncertain significance (1 of 4 stars; one submission).

Allele frequency attached by ClinVar (database versions not stated): gnomAD exomes 0.00001; gnomAD 0.00002; TOPMed 0.00002.
gnomAD v4.1: 18 of 1,561,710 alleles (0.0012%); highest among the groups gnomAD compares: Non-Finnish European, 0.0014%; no homozygotes.

Submission:

Labcorp Genetics (formerly Invitae), Labcorp
Classification: Uncertain significance. Last evaluated: 2025-01-16. Review status: criteria provided, single submitter. Criteria: Invitae Variant Classification Sherloc (09022015). Collection method: clinical testing. Allele origin: germline.
Comment: This sequence change replaces proline, which is neutral and non-polar, with leucine, which is neutral and non-polar, at codon 10 of the WFS1 protein (p.Pro10Leu). The frequency data for this variant in the population databases is considered unreliable, as metrics indicate poor data quality at this position in the gnomAD database. This variant has not been reported in the literature in individuals affected with WFS1-related conditions. ClinVar contains an entry for this variant (Variation ID: 2987421). Invitae Evidence Modeling of protein sequence and biophysical properties (such as structural, functional, and spatial information, amino acid conservation, physicochemical variation, residue mobility, and thermodynamic stability) indicates that this missense variant is not expected to disrupt WFS1 protein function with a negative predictive value of 80%. In summary, the available evidence is currently insufficient to determine the role of this variant in disease. Therefore, it has been classified as a Variant of Uncertain Significance.

NM_006005.3(WFS1):c.29C>T (p.Pro10Leu)

Gene: WFS1 (wolframin ER transmembrane glycoprotein; plus strand). Cytogenetic location: 4p16.1.
Variant type: single nucleotide variant.
Coding change: c.29C>T on transcript NM_006005.3 (MANE Select); coding-DNA position 29, C replaced by T.
Protein change: p.Pro10Leu; replaces proline 10 with leucine.
Molecular consequence: missense variant.
Genome position (GRCh38, 1-based): chr4:6,277,484, C>T. VCF-style: chr4-6277484-C-T. GRCh37 (hg19) VCF-style: chr4-6279211-C-T.
Other names: c.29C>T, p.Pro10Leu (NM_001145853.1); short protein forms P10L.
Identifiers: ClinVar variation 2987421 (VCV002987421.3), dbSNP rs1209402144, ClinGen allele CA356169393.